The following is an entry in ClinVar:

ClinVar aggregate classification (germline): Pathogenic (1 of 4 stars; one submission).

Submission:

Labcorp Genetics (formerly Invitae), Labcorp
Classification: Pathogenic. Last evaluated: 2023-08-18. Review status: criteria provided, single submitter. Criteria: Invitae Variant Classification Sherloc (09022015). Collection method: clinical testing. Allele origin: germline.
Comment: For these reasons, this variant has been classified as Pathogenic. This variant has not been reported in the literature in individuals affected with CEP152-related conditions. This variant is not present in population databases (gnomAD no frequency). This sequence change creates a premature translational stop signal (p.Glu27Lysfs*46) in the CEP152 gene. It is expected to result in an absent or disrupted protein product. Loss-of-function variants in CEP152 are known to be pathogenic (PMID: 21131973).

Literature cited by the submitters: PubMed 21131973.

NM_001194998.2(CEP152):c.79_82del (p.Glu27fs)

Gene: CEP152 (centrosomal protein 152; minus strand). Cytogenetic location: 15q21.1.
Variant type: Microsatellite.
Coding change: c.79_82del on transcript NM_001194998.2 (MANE Select); coding-DNA positions 79 to 82, 4 bases deleted (GAGA; older notation c.79_82delGAGA).
Protein change: p.Glu27fs; shifts the reading frame from glutamic acid 27.
Molecular consequence: frameshift variant.
Genome position (GRCh38, 1-based): chr15:48,805,568-48,805,571, TCTC deleted on the plus strand (GAGA on the coding strand, the reverse complement: CEP152 is on the minus strand); deleting any 4 consecutive bases within chr15:48,805,568-48,805,574 gives the same sequence; the c. name uses the placement nearest the transcript's 3' end. VCF-style (leftmost placement, unchanged base first): chr15-48805567-TTCTC-T. GRCh37 (hg19) VCF-style: chr15-49097764-TTCTC-T.
Other names: c.79_82del, p.Glu27fs (NM_014985.4); short protein forms E27fs.
Identifiers: ClinVar variation 2805735 (VCV002805735.3), dbSNP rs1196046487, ClinGen allele CA2628354543.
Genomic context (GRCh38, chr15:48,805,567, plus strand): 5'-AACTTGTTAAAGATTGGGTTTAGTGTCTCTTTTTTTTTTTTTTTTTAACAACTTACCTCT[TTCTC>T]TCTTTCATAGTCCTCTTCGTCATACTCTTCATCTTCATTTTGCACTGGTAGTGCCACACT-3'